The following is an entry in ClinVar:

ClinVar aggregate classification (germline): Uncertain significance (1 of 4 stars; one submission).

Conditions:
ALMS1-related disorder. Also called: ALMS1-related condition.

Submission:

PreventionGenetics, part of Exact Sciences
Classification: Uncertain significance for ALMS1-related condition. Last evaluated: 2025-09-05. Review status: criteria provided, single submitter. Criteria: ACMG Guidelines, 2015. Collection method: clinical testing. Allele origin: germline.
Comment: The ALMS1 c.329T>C variant is predicted to result in the amino acid substitution p.Val110Ala. To our knowledge, this variant has not been reported in the literature. This variant is reported in 0.0065% of alleles in individuals of European (Non-Finnish) descent in gnomAD. At this time, the clinical significance of this variant is uncertain due to the absence of conclusive functional and genetic evidence.

NM_001378454.1(ALMS1):c.326T>C (p.Ile109Thr)

Gene: ALMS1 (ALMS1 centrosome and basal body associated protein; plus strand). Cytogenetic location: 2p13.1.
Variant type: single nucleotide variant.
Coding change: c.326T>C on transcript NM_001378454.1 (MANE Select); coding-DNA position 326, T replaced by C.
Protein change: p.Ile109Thr; replaces isoleucine 109 with threonine.
Molecular consequence: missense variant.
Genome position (GRCh38, 1-based): chr2:73,408,623, T>C. VCF-style: chr2-73408623-T-C. GRCh37 (hg19) VCF-style: chr2-73635751-T-C.
Other names: c.329T>C, p.Ile110Thr (NM_015120.4); short protein forms I109T, I110T.
Identifiers: ClinVar variation 4979946 (VCV004979946.1).
Genomic context (GRCh38, chr2:73,408,623, plus strand): 5'-TGTTGTATAATCATAGTGATTGTGTTATTACTCTATTTAAGCCTGCTTTTGATTTTCAGA[T>C]TGTTCCATTGACCTGTCATGTATGGCAACAGATAGTATATCAAGGCAATAGTAGAACACA-3'
Protein context (NP_001365383.1, residues 99-119): SEGERTSLEK[Ile109Thr]VPLTCHVWQQ